The following is an entry in ClinVar:

ClinVar aggregate classification (germline): Uncertain significance (1 of 4 stars; one submission).

Conditions:
Inborn genetic diseases. Identifiers: MedGen C0950123, MeSH D030342.

Allele frequency attached by ClinVar (database versions not stated): TOPMed below 0.00001.

Submission:

Ambry Genetics
Classification: Uncertain significance for Inborn genetic diseases. Last evaluated: 2024-03-14. Review status: criteria provided, single submitter. Criteria: Ambry Variant Classification Scheme 2023. Collection method: clinical testing. Allele origin: germline.
Comment: The p.Q2333E variant (also known as c.6997C>G), located in coding exon 47 of the LRRK2 gene, results from a C to G substitution at nucleotide position 6997. The glutamine at codon 2333 is replaced by glutamic acid, an amino acid with highly similar properties. This amino acid position is conserved. In addition, the in silico prediction for this alteration is inconclusive. Based on the available evidence, the clinical significance of this alteration remains unclear.

NM_198578.4(LRRK2):c.6997C>G (p.Gln2333Glu)

Gene: LRRK2 (leucine rich repeat kinase 2; plus strand). Cytogenetic location: 12q12.
Variant type: single nucleotide variant.
Coding change: c.6997C>G on transcript NM_198578.4 (MANE Select); coding-DNA position 6997, C replaced by G.
Protein change: p.Gln2333Glu; replaces glutamine 2333 with glutamic acid.
Molecular consequence: missense variant.
Genome position (GRCh38, 1-based): chr12:40,359,413, C>G. VCF-style: chr12-40359413-C-G. GRCh37 (hg19) VCF-style: chr12-40753215-C-G.
Other names: short protein forms Q2333E.
Identifiers: ClinVar variation 3229766 (VCV003229766.1), dbSNP rs1199785279, ClinGen allele CA384412043.